The following is an entry in ClinVar:

NM_005378.6(MYCN):c.442del (p.Gln148fs)

Gene: MYCN (MYCN proto-oncogene, bHLH transcription factor; plus strand). Cytogenetic location: 2p24.3.
Variant type: Deletion.
Coding change: c.442del on transcript NM_005378.6 (MANE Select); coding-DNA position 442, one base deleted (C; older notation c.442delC).
Protein change: p.Gln148fs; shifts the reading frame from glutamine 148.
Molecular consequence: frameshift variant. On other transcripts: 3 prime UTR variant (1), intron variant (1).
Genome position (GRCh38, 1-based): chr2:15,942,506, C deleted; the last of 3 consecutive C bases (chr2:15,942,504-15,942,506); deleting any one gives the same sequence. VCF-style (leftmost placement, unchanged base first): chr2-15942503-GC-G. GRCh37 (hg19) VCF-style: chr2-16082625-GC-G.
Other names: c.442del, p.Gln148fs (NM_001293228.2); c.*377del (NM_001293233.2); c.157+1763del (NM_001293231.2); short protein forms Q148fs.
Identifiers: ClinVar variation 280632 (VCV000280632.5), dbSNP rs886041801, ClinGen allele CA10602809.

ClinVar aggregate classification (germline): Pathogenic. Review status: criteria provided, multiple submitters, no conflicts (2 of 4 stars). 2 submissions from 2 submitters: Pathogenic (2). Last evaluated 2016-06-06.

Conditions:
Inborn genetic diseases. Identifiers: MedGen C0950123, MeSH D030342.

Submissions (2):

GeneDx
Classification: Pathogenic. Last evaluated: 2016-06-06. Review status: criteria provided, single submitter. Criteria: GeneDx Variant Classification (06012015). Collection method: clinical testing. Allele origin: germline. Affected: yes.
Comment: The c.442delC pathogenic variant in the MYCN gene causes a frameshift starting with codon Glutamine 148, changes this amino acid to a Serine residue and creates a premature Stop codon at position 50 of the new reading frame, denoted p.Gln148SerfsX50. This pathogenic variant is predicted to cause loss of normal protein function either through protein truncation or nonsense-mediated mRNA decay.

Ambry Genetics
Classification: Pathogenic for Inborn genetic diseases. Last evaluated: 2016-02-16. Review status: criteria provided, single submitter. Criteria: Ambry exome assertion method (8-5-2015). Collection method: clinical testing. Allele origin: germline. Affected: yes. Observed: 1 variant allele.